The following is an entry in ClinVar:

ClinVar aggregate classification (germline): Uncertain significance (1 of 4 stars; one submission).

Conditions:
Charcot-Marie-Tooth disease type 2R. Also called: Charcot-Marie-Tooth disease, axonal, type 2R; CHARCOT-MARIE-TOOTH NEUROPATHY, TYPE 2R; CHARCOT-MARIE-TOOTH DISEASE, AXONAL, AUTOSOMAL RECESSIVE, TYPE 2R. Identifiers: Orphanet 397968, MedGen C3809655, MONDO:0014208, OMIM 615490.

gnomAD v4.1: 4 of 1,614,246 alleles (0.00025%); highest among the groups gnomAD compares: Non-Finnish European, 0.00034%; no homozygotes.

Submission:

Labcorp Genetics (formerly Invitae), Labcorp
Classification: Uncertain significance for Charcot-Marie-Tooth disease type 2R. Last evaluated: 2024-04-08. Review status: criteria provided, single submitter. Criteria: Invitae Variant Classification Sherloc (09022015). Collection method: clinical testing. Allele origin: germline.
Comment: This sequence change replaces isoleucine, which is neutral and non-polar, with valine, which is neutral and non-polar, at codon 601 of the TRIM2 protein (p.Ile601Val). This variant is not present in population databases (gnomAD no frequency). This variant has not been reported in the literature in individuals affected with TRIM2-related conditions. An algorithm developed to predict the effect of missense changes on protein structure and function (PolyPhen-2) suggests that this variant is likely to be tolerated. In summary, the available evidence is currently insufficient to determine the role of this variant in disease. Therefore, it has been classified as a Variant of Uncertain Significance.

NM_015271.5(TRIM2):c.1882A>G (p.Ile628Val)

Gene: TRIM2 (tripartite motif containing 2; plus strand). Cytogenetic location: 4q31.3.
Variant type: single nucleotide variant.
Coding change: c.1882A>G on transcript NM_015271.5 (MANE Select); coding-DNA position 1882, A replaced by G.
Protein change: p.Ile628Val; replaces isoleucine 628 with valine.
Molecular consequence: missense variant.
Genome position (GRCh38, 1-based): chr4:153,322,747, A>G. VCF-style: chr4-153322747-A-G. GRCh37 (hg19) VCF-style: chr4-154243899-A-G.
Other names: c.1975A>G, p.Ile659Val (NM_001375488.1); c.1972A>G, p.Ile658Val (NM_001375489.1); c.1825A>G, p.Ile609Val (NM_001375490.1); c.1822A>G, p.Ile608Val (NM_001375491.1); c.1801A>G, p.Ile601Val (NM_001375512.1, NM_001375513.1, NM_001375514.1 and 5 more transcripts); c.1549A>G, p.Ile517Val (NM_001375519.1); c.1546A>G, p.Ile516Val (NM_001375520.1); c.1543A>G, p.Ile515Val (NM_001375522.1, NM_001375523.1, NM_001375525.1); and 3 more; short protein forms I517V, I608V, I658V, I476V, I516V, I609V, I515V, I618V.
Identifiers: ClinVar variation 3730048 (VCV003730048.2).